The following is an entry in ClinVar:

NM_003560.4(PLA2G6):c.2204G>T (p.Cys735Phe)

Gene: PLA2G6 (phospholipase A2 group VI; minus strand). Cytogenetic location: 22q13.1.
Variant type: single nucleotide variant.
Coding change: c.2204G>T on transcript NM_003560.4 (MANE Select); coding-DNA position 2204, G replaced by T.
Protein change: p.Cys735Phe; replaces cysteine 735 with phenylalanine.
Molecular consequence: missense variant.
Genome position (GRCh38, 1-based): chr22:38,112,576, C>A on the plus strand (G>T on the coding strand, the complement: PLA2G6 is on the minus strand). VCF-style: chr22-38112576-C-A. GRCh37 (hg19) VCF-style: chr22-38508583-C-A.
Other names: c.2042G>T, p.Cys681Phe (NM_001004426.3, NM_001199562.3, NM_001349865.2 and 1 more transcripts); c.2204G>T, p.Cys735Phe (NM_001349864.2); c.1670G>T, p.Cys557Phe (NM_001349867.2); c.1526G>T, p.Cys509Phe (NM_001349868.2); c.1508G>T, p.Cys503Phe (NM_001349869.2); short protein forms C503F, C509F, C557F, C681F, C735F.
Identifiers: ClinVar variation 3774803 (VCV003774803.1).

ClinVar aggregate classification (germline): Uncertain significance (1 of 4 stars; one submission).

Submission:

GeneDx
Classification: Uncertain significance. Last evaluated: 2024-09-30. Review status: criteria provided, single submitter. Criteria: GeneDx Variant Classification Process June 2021. Collection method: clinical testing. Allele origin: germline. Affected: yes.
Comment: Not observed at significant frequency in large population cohorts (gnomAD); In silico analysis supports that this missense variant has a deleterious effect on protein structure/function; Has not been previously published as pathogenic or benign to our knowledge